The following is an entry in ClinVar:

NM_199420.4(POLQ):c.4622A>G (p.Asn1541Ser)

Gene: POLQ (DNA polymerase theta; minus strand). Cytogenetic location: 3q13.33.
Variant type: single nucleotide variant.
Coding change: c.4622A>G on transcript NM_199420.4 (MANE Select); coding-DNA position 4622, A replaced by G.
Protein change: p.Asn1541Ser; replaces asparagine 1541 with serine.
Molecular consequence: missense variant.
Genome position (GRCh38, 1-based): chr3:121,488,309, T>C on the plus strand (A>G on the coding strand, the complement: POLQ is on the minus strand). VCF-style: chr3-121488309-T-C. GRCh37 (hg19) VCF-style: chr3-121207156-T-C.
Other names: short protein forms N1541S.
Identifiers: ClinVar variation 1741964 (VCV001741964.3), dbSNP rs1369757089, ClinGen allele CA354094419.

ClinVar aggregate classification (germline): Uncertain significance (1 of 4 stars; one submission).

Allele frequency attached by ClinVar (database versions not stated): gnomAD exomes 0.00001.
gnomAD v4.1: 18 of 1,612,642 alleles (0.0011%); highest among the groups gnomAD compares: East Asian, 0.0022%; no homozygotes.

Submission:

Ambry Genetics
Classification: Uncertain significance. Last evaluated: 2024-06-06. Review status: criteria provided, single submitter. Criteria: Ambry Variant Classification Scheme 2023. Collection method: clinical testing. Allele origin: germline.
Comment: The p.N1541S variant (also known as c.4622A>G), located in coding exon 16 of the POLQ gene, results from an A to G substitution at nucleotide position 4622. The asparagine at codon 1541 is replaced by serine, an amino acid with highly similar properties. This amino acid position is conserved. In addition, this alteration is predicted to be tolerated by in silico analysis. Since supporting evidence is limited at this time, the clinical significance of this alteration remains unclear.